The following is an entry in ClinVar:

NM_004958.4(MTOR):c.5930C>G (p.Thr1977Arg)

Gene: MTOR (mechanistic target of rapamycin kinase; minus strand). Cytogenetic location: 1p36.22.
Variant type: single nucleotide variant.
Coding change: c.5930C>G on transcript NM_004958.4 (MANE Select); coding-DNA position 5930, C replaced by G.
Protein change: p.Thr1977Arg; replaces threonine 1977 with arginine.
Molecular consequence: missense variant.
Genome position (GRCh38, 1-based): chr1:11,128,107, G>C on the plus strand (C>G on the coding strand, the complement: MTOR is on the minus strand). VCF-style: chr1-11128107-G-C. GRCh37 (hg19) VCF-style: chr1-11188164-G-C.
Other names: NM_004958.3:c.5930C>G; c.5930C>G, p.Thr1977Arg (NM_001386500.1); c.4682C>G, p.Thr1561Arg (NM_001386501.1); short protein forms T1561R, T1977R.
Identifiers: ClinVar variation 1296989 (VCV001296989.4), dbSNP rs587777893, ClinGen allele CA338394655.

ClinVar aggregate classification (germline): Pathogenic (3 of 4 stars; one submission).

Conditions:
Overgrowth syndrome and/or cerebral malformations due to abnormalities in MTOR pathway genes. Identifiers: MedGen CN300503, MONDO:0100283.

Submission:

ClinGen Brain Malformations Variant Curation Expert Panel
Classification: Pathogenic for Overgrowth syndrome and/or cerebral malformations due to abnormalities in MTOR pathway genes. Last evaluated: 2022-02-17. Review status: reviewed by expert panel. Criteria: ClinGen BrainMalform ACMG Specifications v1. Collection method: curation. Allele origin: germline. Inheritance: Autosomal dominant inheritance.
Comment: The c.5930C>G (NM_004958.4) variant in MTOR is a missense variant predicted to cause substitution of (p.Thr1977Arg). This variant is absent from gnomAD v2.1.1 (PM2_Supporting). MTOR, in which the variant was identified, is defined by the ClinGen Brain Malformations Expert Panel as a gene that has a low rate of benign missense variation and where pathogenic missense variants are a common mechanism of disease (PP2). A different amino acid change (p.Thr1977Lys), at this locus is classified as pathogenic for Overgrowth with or without cerebral malformations due to abnormalities in MTOR-pathway genes by the ClinGen BMEP (PM5). This variant resides within the kinase domain of MTOR that is defined as a critical functional domain by the ClinGen BMEP (PMIDs: 23322780, 27482884, 21210909) (PM1_Supporting). This variant has been shown to significantly increase phosphorylation levels in experiments with case and controls cells of similar isogenic backgrounds indicating that this variant impacts protein function (PMID: 24631838) (PS3_Supporting). The prevalence of the variant in affected individuals is significantly increased compared with the prevalence in controls (PS4_M; PMIDs: 25799227, 29281825, identified in 2 individuals with neuropathology confirmatory of a malformation of cortical development, 1 individual with neuroimaging appearance consistent with a malformation of cortical development (without neuropathology), 5 tumor samples in the literature and COSMIC). Testing of unaffected and affected tissue show variable allelic fractions consistent with a post-zygotic event (PS2_Moderate; PMID: 25799227). In summary, this variant meets the criteria to be classified as Pathogenic for mosaic autosomal dominant overgrowth with or without cerebral malformations due to abnormalities in MTOR-pathway genes based on the ACMG/AMP criteria applied, as specified by the ClinGen Brain Malformations Expert Panel: PM2_P, PP2, PM5, PM1_P, PS3_P, PS4_M, PS2_M; 10 points (VCEP specifications version 1; Approved: 1/31/2021)

Literature cited by the submitters: PubMed 29281825; PubMed 24631838.